The following is an entry in ClinVar:

NM_198578.4(LRRK2):c.3673C>T (p.Leu1225Phe)

Gene: LRRK2 (leucine rich repeat kinase 2; plus strand). Cytogenetic location: 12q12.
Variant type: single nucleotide variant.
Coding change: c.3673C>T on transcript NM_198578.4 (MANE Select); coding-DNA position 3673, C replaced by T.
Protein change: p.Leu1225Phe; replaces leucine 1225 with phenylalanine.
Molecular consequence: missense variant.
Genome position (GRCh38, 1-based): chr12:40,304,030, C>T. VCF-style: chr12-40304030-C-T. GRCh37 (hg19) VCF-style: chr12-40697832-C-T.
Other names: short protein forms L1225F.
Identifiers: ClinVar variation 1733812 (VCV001733812.2), dbSNP rs2499781442, ClinGen allele CA384416700.
Genomic context (GRCh38, chr12:40,304,030, plus strand): 5'-AGCAATGATATTCAGTACCTACCAGGTCCCGCACACTGGAAATCTTTGAACTTAAGGGAA[C>T]TCTTATTTAGCCATAATCAGATCAGCATCTTGGACTTGAGTGAAAAAGCATATTTATGGT-3'
Protein context (NP_940980.4, residues 1215-1235): AHWKSLNLRE[Leu1225Phe]LFSHNQISIL

ClinVar aggregate classification (germline): Uncertain significance (1 of 4 stars; one submission).

Conditions:
Inborn genetic diseases. Identifiers: MedGen C0950123, MeSH D030342.

Submission:

Ambry Genetics
Classification: Uncertain significance for Inborn genetic diseases. Last evaluated: 2023-11-02. Review status: criteria provided, single submitter. Criteria: Ambry Variant Classification Scheme 2023. Collection method: clinical testing. Allele origin: germline.
Comment: The p.L1225F variant (also known as c.3673C>T), located in coding exon 27 of the LRRK2 gene, results from a C to T substitution at nucleotide position 3673. The leucine at codon 1225 is replaced by phenylalanine, an amino acid with highly similar properties. This amino acid position is conserved. In addition, this alteration is predicted to be deleterious by in silico analysis. Since supporting evidence is limited at this time, the clinical significance of this alteration remains unclear.